The following is an entry in ClinVar:

ClinVar aggregate classification (germline): Pathogenic (1 of 4 stars; one submission).

Conditions:
Joubert syndrome. Also called: JOUBERT-BOLTSHAUSER SYNDROME; Familial aplasia of the vermis. Identifiers: Orphanet 475, MedGen C5979921, MONDO:0018772.
Meckel-Gruber syndrome. Also called: DYSENCEPHALIA SPLANCHNOCYSTICA; GRUBER SYNDROME; Dysencephalia splachnocystica. Identifiers: Orphanet 564, MedGen C0265215, MONDO:0018921.

gnomAD v4.1: 1 of 1,600,208 alleles (0.000062%); highest among the groups gnomAD compares: African/African-American, 0.0013%; no homozygotes.

Submission:

Labcorp Genetics (formerly Invitae), Labcorp
Classification: Pathogenic for Joubert syndrome; Meckel-Gruber syndrome. Last evaluated: 2025-02-14. Review status: criteria provided, single submitter. Criteria: Invitae Variant Classification Sherloc (09022015). Collection method: clinical testing. Allele origin: germline.
Comment: This sequence change creates a premature translational stop signal (p.Lys517*) in the CC2D2A gene. It is expected to result in an absent or disrupted protein product. Loss-of-function variants in CC2D2A are known to be pathogenic (PMID: 19777577). This variant is not present in population databases (gnomAD no frequency). This variant has not been reported in the literature in individuals affected with CC2D2A-related conditions. Algorithms developed to predict the effect of sequence changes on RNA splicing suggest that this variant may disrupt the consensus splice site. For these reasons, this variant has been classified as Pathogenic.

Literature cited by the submitters: PubMed 19777577.

NM_001378615.1(CC2D2A):c.1549A>T (p.Lys517Ter)

Genes: CC2D2A (coiled-coil and C2 domain containing 2A; plus strand), FBXL5 (F-box and leucine rich repeat protein 5; minus strand). Cytogenetic location: 4p15.32.
Variant type: single nucleotide variant.
Coding change: c.1549A>T on transcript NM_001378615.1 (MANE Select); coding-DNA position 1549, A replaced by T.
Protein change: p.Lys517Ter; replaces lysine 517 with a stop codon.
Molecular consequence: nonsense.
Genome position (GRCh38, 1-based): chr4:15,533,275, A>T. VCF-style: chr4-15533275-A-T. GRCh37 (hg19) VCF-style: chr4-15534898-A-T.
Other names: c.1549A>T, p.Lys517Ter (NM_001080522.2); c.1402A>T, p.Lys468Ter (NM_001378617.1); short protein forms K468*, K517*.
Identifiers: ClinVar variation 4784166 (VCV004784166.1).